The following is an entry in ClinVar:

ClinVar aggregate classification (germline): Uncertain significance. Review status: criteria provided, multiple submitters, no conflicts (2 of 4 stars). 2 submissions from 2 submitters: Uncertain significance (2). Last evaluated 2025-08-21.

Conditions:
Inborn genetic diseases. Identifiers: MedGen C0950123, MeSH D030342.

Allele frequency attached by ClinVar (database versions not stated): gnomAD 0.00001; TOPMed 0.00003; gnomAD exomes 0.00005; ExAC 0.00007; 1000 Genomes Project 0.00020; 1000 Genomes Project 30x 0.00031.
gnomAD v4.1: 31 of 1,614,120 alleles (0.0019%); highest among the groups gnomAD compares: Admixed American, 0.052%; no homozygotes.

Submissions (2):

Ambry Genetics
Classification: Uncertain significance for Inborn genetic diseases. Last evaluated: 2025-08-21. Review status: criteria provided, single submitter. Criteria: Ambry Variant Classification Scheme 2023. Collection method: clinical testing. Allele origin: germline.

Labcorp Genetics (formerly Invitae), Labcorp
Classification: Uncertain significance. Last evaluated: 2022-11-28. Review status: criteria provided, single submitter. Criteria: Invitae Variant Classification Sherloc (09022015). Collection method: clinical testing. Allele origin: germline.
Comment: In summary, the available evidence is currently insufficient to determine the role of this variant in disease. Therefore, it has been classified as a Variant of Uncertain Significance. Advanced modeling of protein sequence and biophysical properties (such as structural, functional, and spatial information, amino acid conservation, physicochemical variation, residue mobility, and thermodynamic stability) performed at Invitae indicates that this missense variant is expected to disrupt LAMA1 protein function. This variant has not been reported in the literature in individuals affected with LAMA1-related conditions. This variant is present in population databases (rs184034913, gnomAD 0.07%). This sequence change replaces isoleucine, which is neutral and non-polar, with serine, which is neutral and polar, at codon 2257 of the LAMA1 protein (p.Ile2257Ser).

NM_005559.4(LAMA1):c.6770T>G (p.Ile2257Ser)

Gene: LAMA1 (laminin subunit alpha 1; minus strand). Cytogenetic location: 18p11.31.
Variant type: single nucleotide variant.
Coding change: c.6770T>G on transcript NM_005559.4 (MANE Select); coding-DNA position 6770, T replaced by G.
Protein change: p.Ile2257Ser; replaces isoleucine 2257 with serine.
Molecular consequence: missense variant.
Genome position (GRCh38, 1-based): chr18:6,973,061, A>C on the plus strand (T>G on the coding strand, the complement: LAMA1 is on the minus strand). VCF-style: chr18-6973061-A-C. GRCh37 (hg19) VCF-style: chr18-6973060-A-C.
Other names: short protein forms I2257S.
Identifiers: ClinVar variation 2047107 (VCV002047107.4), dbSNP rs184034913, ClinGen allele CA8881138.